The following is an entry in ClinVar:

NM_000516.7(GNAS):c.750C>A (p.Ser250Arg)

Gene: GNAS (GNAS complex locus; plus strand). Cytogenetic location: 20q13.32.
Variant type: single nucleotide variant.
Coding change: c.750C>A on transcript NM_000516.7 (MANE Select); coding-DNA position 750, C replaced by A.
Protein change: p.Ser250Arg; replaces serine 250 with arginine.
Molecular consequence: missense variant. On other transcripts: 3 prime UTR variant (2).
Genome position (GRCh38, 1-based): chr20:58,909,715, C>A. VCF-style: chr20-58909715-C-A. GRCh37 (hg19) VCF-style: chr20-57484770-C-A.
Other names: c.753C>A, p.Ser251Arg (NM_001077488.5); c.705C>A, p.Ser235Arg (NM_001077489.4); c.*611C>A (NM_001077490.3); c.573C>A, p.Ser191Arg (NM_001309840.2, NM_001309861.2, NM_001438276.1 and 1 more transcripts); c.654C>A, p.Ser218Arg (NM_001410912.1); c.2634C>A, p.Ser878Arg (NM_001410913.1); c.528C>A, p.Ser176Arg (NM_001438273.1, NM_001438274.1, NM_001438275.1); c.*656C>A (NM_016592.5); and 2 more; short protein forms S191R, S236R, S251R, S235R, S878R, S893R, S176R, S250R.
Identifiers: ClinVar variation 4740421 (VCV004740421.1).

ClinVar aggregate classification (germline): Uncertain significance (1 of 4 stars; one submission).

Submission:

Labcorp Genetics (formerly Invitae), Labcorp
Classification: Uncertain significance. Last evaluated: 2025-07-23. Review status: criteria provided, single submitter. Criteria: Invitae Variant Classification Sherloc (09022015). Collection method: clinical testing. Allele origin: germline.
Comment: This sequence change replaces serine, which is neutral and polar, with arginine, which is basic and polar, at codon 250 of the GNAS protein (p.Ser250Arg). This variant is not present in population databases (gnomAD no frequency). This missense change has been observed in individual(s) with pseudohypoparathyroidism (PMID: 9328353). Invitae Evidence Modeling of protein sequence and biophysical properties (such as structural, functional, and spatial information, amino acid conservation, physicochemical variation, residue mobility, and thermodynamic stability) indicates that this missense variant is expected to disrupt GNAS protein function with a positive predictive value of 80%. Experimental studies have shown that this missense change affects GNAS function (PMID: 9328353). In summary, the available evidence is currently insufficient to determine the role of this variant in disease. Therefore, it has been classified as a Variant of Uncertain Significance.

Literature cited by the submitters: PubMed 9328353.